The following is an entry in ClinVar:

NM_000301.5(PLG):c.857A>C (p.Asn286Thr)

Gene: PLG (plasminogen; plus strand). Cytogenetic location: 6q26.
Variant type: single nucleotide variant.
Coding change: c.857A>C on transcript NM_000301.5 (MANE Select); coding-DNA position 857, A replaced by C.
Protein change: p.Asn286Thr; replaces asparagine 286 with threonine.
Molecular consequence: missense variant.
Genome position (GRCh38, 1-based): chr6:160,718,363, A>C. VCF-style: chr6-160718363-A-C. GRCh37 (hg19) VCF-style: chr6-161139395-A-C.
Other names: short protein forms N286T.
Identifiers: ClinVar variation 3023306 (VCV003023306.3), dbSNP rs775647219, ClinGen allele CA366362617.
Genomic context (GRCh38, chr6:160,718,363, plus strand): 5'-CACCATCTTCTGGTCCCACCTACCAGTGTCTGAAGGGAACAGGTGAAAACTATCGCGGGA[A>C]TGTGGCTGTTACCGTGTCCGGGCACACCTGTCAGCACTGGAGTGCACAGACCCCTCACAC-3'
Protein context (NP_000292.1, residues 276-296): LKGTGENYRG[Asn286Thr]VAVTVSGHTC

ClinVar aggregate classification (germline): Uncertain significance (1 of 4 stars; one submission).

Submission:

Labcorp Genetics (formerly Invitae), Labcorp
Classification: Uncertain significance. Last evaluated: 2024-04-10. Review status: criteria provided, single submitter. Criteria: Invitae Variant Classification Sherloc (09022015). Collection method: clinical testing. Allele origin: germline.
Comment: This sequence change replaces asparagine, which is neutral and polar, with threonine, which is neutral and polar, at codon 286 of the PLG protein (p.Asn286Thr). This variant is not present in population databases (gnomAD no frequency). This variant has not been reported in the literature in individuals affected with PLG-related conditions. Advanced modeling of protein sequence and biophysical properties (such as structural, functional, and spatial information, amino acid conservation, physicochemical variation, residue mobility, and thermodynamic stability) performed at Invitae indicates that this missense variant is not expected to disrupt PLG protein function with a negative predictive value of 80%. In summary, the available evidence is currently insufficient to determine the role of this variant in disease. Therefore, it has been classified as a Variant of Uncertain Significance.